The following is an entry in ClinVar:

ClinVar aggregate classification (germline): Pathogenic (1 of 4 stars; one submission).

Submission:

Labcorp Genetics (formerly Invitae), Labcorp
Classification: Pathogenic. Last evaluated: 2024-11-06. Review status: criteria provided, single submitter. Criteria: Invitae Variant Classification Sherloc (09022015). Collection method: clinical testing. Allele origin: germline.
Comment: This sequence change creates a premature translational stop signal (p.Asp1938Glufs*3) in the SPTA1 gene. It is expected to result in an absent or disrupted protein product. Loss-of-function variants in SPTA1 are known to be pathogenic (PMID: 9192783, 18815189, 31333484, 31723846, 32266426). This variant is not present in population databases (gnomAD no frequency). This premature translational stop signal has been observed in individual(s) with clinical features of SPTA1-related conditions (PMID: 31038472). For these reasons, this variant has been classified as Pathogenic.

Literature cited by the submitters: PubMed 9192783; PubMed 18815189; PubMed 31333484; PubMed 31723846; PubMed 32266426; PubMed 31038472.

NM_003126.4(SPTA1):c.5814del (p.Asp1938fs)

Gene: SPTA1 (spectrin alpha, erythrocytic 1; minus strand). Cytogenetic location: 1q23.1.
Variant type: Deletion.
Coding change: c.5814del on transcript NM_003126.4 (MANE Select); coding-DNA position 5814, one base deleted (T; older notation c.5814delT).
Protein change: p.Asp1938fs; shifts the reading frame from aspartic acid 1938.
Molecular consequence: frameshift variant.
Genome position (GRCh38, 1-based): chr1:158,626,858, A deleted on the plus strand (T on the coding strand, the reverse complement: SPTA1 is on the minus strand). VCF-style (leftmost placement, unchanged base first): chr1-158626857-CA-C. GRCh37 (hg19) VCF-style: chr1-158596647-CA-C.
Other names: short protein forms D1938fs.
Identifiers: ClinVar variation 3718575 (VCV003718575.2).